The following is an entry in ClinVar:

NM_001164508.2(NEB):c.21974A>G (p.Glu7325Gly)

Genes: RIF1 (replication timing regulatory factor 1; plus strand), NEB (nebulin; minus strand). Cytogenetic location: 2q23.3.
Variant type: single nucleotide variant.
Coding change: c.21974A>G on transcript NM_001164508.2 (MANE Select); coding-DNA position 21974, A replaced by G.
Protein change: p.Glu7325Gly; replaces glutamic acid 7325 with glycine.
Molecular consequence: missense variant.
Genome position (GRCh38, 1-based): chr2:151,526,234, T>C on the plus strand (A>G on the coding strand, the complement: NEB is on the minus strand). VCF-style: chr2-151526234-T-C. GRCh37 (hg19) VCF-style: chr2-152382748-T-C.
Other names: c.21974A>G, p.Glu7325Gly (NM_001164507.2); c.22079A>G, p.Glu7360Gly (NM_001271208.2); c.16871A>G, p.Glu5624Gly (NM_004543.5); short protein forms E7360G, E7325G, E5624G.
Identifiers: ClinVar variation 1383442 (VCV001383442.3), dbSNP rs1159938154, ClinGen allele CA348767077.
Genomic context (GRCh38, chr2:151,526,234, plus strand): 5'-CTGACAGTCTTCGCCAGCAGGATCTGAGGCGTGTCAGGTACGGCATGGCAGGTTCCTCTT[T>C]CCTTGACATGTTTCTCTTTGTATTTCAGCTTCAGGGGCAGGAAAAGGGGCATTTCTTTAG-3'
Protein context (NP_001157980.2, residues 7315-7335): DLKYKEKHVK[Glu7325Gly]RGTCHAVPDT

ClinVar aggregate classification (germline): Uncertain significance (1 of 4 stars; one submission).

Conditions:
Nemaline myopathy 2 (NEM2). Also called: Nemaline myopathy 2, autosomal recessive. Identifiers: MedGen C1850569, MONDO:0009725, OMIM 256030.

Allele frequency attached by ClinVar (database versions not stated): gnomAD exomes below 0.00001; gnomAD 0.00001; TOPMed 0.00001.
gnomAD v4.1: 6 of 1,612,990 alleles (0.00037%); highest among the groups gnomAD compares: Non-Finnish European, 0.00051%; no homozygotes.

Submission:

Labcorp Genetics (formerly Invitae), Labcorp
Classification: Uncertain significance for Nemaline myopathy 2. Last evaluated: 2022-07-27. Review status: criteria provided, single submitter. Criteria: Invitae Variant Classification Sherloc (09022015). Collection method: clinical testing. Allele origin: germline.
Comment: This sequence change replaces glutamic acid, which is acidic and polar, with glycine, which is neutral and non-polar, at codon 7360 of the NEB protein (p.Glu7360Gly). This variant is present in population databases (no rsID available, gnomAD 0.007%). This variant has not been reported in the literature in individuals affected with NEB-related conditions. ClinVar contains an entry for this variant (Variation ID: 1383442). Algorithms developed to predict the effect of missense changes on protein structure and function are either unavailable or do not agree on the potential impact of this missense change (SIFT: "Deleterious"; PolyPhen-2: "Not Available"; Align-GVGD: "Class C0"). In summary, the available evidence is currently insufficient to determine the role of this variant in disease. Therefore, it has been classified as a Variant of Uncertain Significance.